The following is an entry in ClinVar:

NM_001376.5(DYNC1H1):c.13794C>T (p.Thr4598=)

Gene: DYNC1H1 (dynein cytoplasmic 1 heavy chain 1; plus strand). Cytogenetic location: 14q32.31.
Variant type: single nucleotide variant.
Coding change: c.13794C>T on transcript NM_001376.5 (MANE Select); coding-DNA position 13794, C replaced by T.
Protein change: p.Thr4598=; no amino-acid change (threonine 4598 retained).
Molecular consequence: synonymous variant.
Genome position (GRCh38, 1-based): chr14:102,050,180, C>T. VCF-style: chr14-102050180-C-T. GRCh37 (hg19) VCF-style: chr14-102516517-C-T.
Identifiers: ClinVar variation 415339 (VCV000415339.13), dbSNP rs765791872, ClinGen allele CA7354356.

ClinVar aggregate classification (germline): Likely benign. Review status: criteria provided, multiple submitters, no conflicts (2 of 4 stars). 3 submissions from 3 submitters: Likely benign (3). Last evaluated 2026-01-08.

Conditions:
DYNC1H1-related disorder. Also called: DYNC1H1-related disorders; DYNC1H1-related condition. Identifiers: MedGen CN381529.
Charcot-Marie-Tooth disease axonal type 2O. Also called: Charcot-Marie-Tooth Neuropathy Type 2O; CHARCOT-MARIE-TOOTH NEUROPATHY, AXONAL, TYPE 2O; CHARCOT-MARIE-TOOTH DISEASE, AXONAL, AUTOSOMAL DOMINANT, TYPE 2O; Charcot-Marie-Tooth disease, axonal, type 20. Identifiers: Orphanet 284232, MedGen C3280220, MONDO:0013644, OMIM 614228.

Allele frequency attached by ClinVar (database versions not stated): gnomAD exomes below 0.00001 and 0.00001; ExAC 0.00001; TOPMed 0.00003.
gnomAD v4.1: 5 of 1,614,120 alleles (0.00031%); highest among the groups gnomAD compares: East Asian, 0.0022%; no homozygotes.

Submissions (3):

PreventionGenetics, part of Exact Sciences
Classification: Likely benign for DYNC1H1-related condition. Last evaluated: 2026-01-08. Review status: criteria provided, single submitter. Criteria: ACMG Guidelines, 2015. Collection method: clinical testing. Allele origin: germline.
Comment: This variant is classified as likely benign based on ACMG/AMP sequence variant interpretation guidelines (Richards et al. 2015 PMID: 25741868, with internal and published modifications).

Labcorp Genetics (formerly Invitae), Labcorp
Classification: Likely benign for Charcot-Marie-Tooth disease axonal type 2O. Last evaluated: 2023-11-27. Review status: criteria provided, single submitter. Criteria: Invitae Variant Classification Sherloc (09022015). Collection method: clinical testing. Allele origin: germline.

GeneDx
Classification: Likely benign. Last evaluated: 2021-06-01. Review status: criteria provided, single submitter. Criteria: GeneDx Variant Classification Process June 2021. Collection method: clinical testing. Allele origin: germline. Affected: yes.